The following is an entry in ClinVar:

NM_018006.5(TRMU):c.918G>C (p.Arg306Ser)

Gene: TRMU (tRNA mitochondrial 2-thiouridylase; plus strand). Cytogenetic location: 22q13.31.
Variant type: single nucleotide variant.
Coding change: c.918G>C on transcript NM_018006.5 (MANE Select); coding-DNA position 918, G replaced by C.
Protein change: p.Arg306Ser; replaces arginine 306 with serine.
Molecular consequence: missense variant. On other transcripts: non-coding transcript variant (2).
Genome position (GRCh38, 1-based): chr22:46,355,488, G>C. VCF-style: chr22-46355488-G-C. GRCh37 (hg19) VCF-style: chr22-46751385-G-C.
Other names: c.576G>C, p.Arg192Ser (NM_001282782.2); c.498G>C, p.Arg166Ser (NM_001282783.2, NM_001282784.2); c.918G>C, p.Arg306Ser (NM_001282785.2); c.918G>C (NM_018006.4); short protein forms R306S, R166S, R192S.
Identifiers: ClinVar variation 596035 (VCV000596035.10), dbSNP rs776261187, ClinGen allele CA10292316.
Genomic context (GRCh38, chr22:46,355,488, plus strand): 5'-ACATTCCATTCTGCAGGCCCCCCGGACAGACCACCCAGCCCTGTACAGGGACCTGCTGAG[G>C]ACCAGCCGCGTGCACTGGATTGCGGAGGAGCCTCCCGCAGCACTGGTCCGGGACAAGATG-3'
Protein context (NP_060476.2, residues 296-316): DHPALYRDLL[Arg306Ser]TSRVHWIAEE

ClinVar aggregate classification (germline): Uncertain significance. Review status: criteria provided, multiple submitters, no conflicts (2 of 4 stars). 5 submissions from 5 submitters: Uncertain significance (4). 1 of the submissions does not count toward it. Last evaluated 2024-09-27.

Conditions:
Inborn genetic diseases. Identifiers: MedGen C0950123, MeSH D030342.
TRMU-related disorder. Also called: TRMU-related condition.

Allele frequency attached by ClinVar (database versions not stated): ExAC 0.00001; gnomAD 0.00001 and 0.00002; gnomAD exomes 0.00001; TOPMed 0.00003.
gnomAD v4.1: 36 of 1,613,150 alleles (0.0022%); highest among the groups gnomAD compares: East Asian, 0.011%; 1 homozygote.

Submissions (5):

Labcorp Genetics (formerly Invitae), Labcorp
Classification: Uncertain significance. Last evaluated: 2024-09-27. Review status: criteria provided, single submitter. Criteria: Invitae Variant Classification Sherloc (09022015). Collection method: clinical testing. Allele origin: germline.
Comment: This sequence change replaces arginine, which is basic and polar, with serine, which is neutral and polar, at codon 306 of the TRMU protein (p.Arg306Ser). This variant is present in population databases (rs776261187, gnomAD 0.02%). This variant has not been reported in the literature in individuals affected with TRMU-related conditions. ClinVar contains an entry for this variant (Variation ID: 596035). Invitae Evidence Modeling of protein sequence and biophysical properties (such as structural, functional, and spatial information, amino acid conservation, physicochemical variation, residue mobility, and thermodynamic stability) indicates that this missense variant is not expected to disrupt TRMU protein function with a negative predictive value of 80%. In summary, the available evidence is currently insufficient to determine the role of this variant in disease. Therefore, it has been classified as a Variant of Uncertain Significance.

Ambry Genetics
Classification: Uncertain significance for Inborn genetic diseases. Last evaluated: 2024-01-30. Review status: criteria provided, single submitter. Criteria: Ambry Variant Classification Scheme 2023. Collection method: clinical testing. Allele origin: germline.

Blueprint Genetics
Classification: Uncertain significance. Last evaluated: 2023-01-25. Review status: criteria provided, single submitter. Criteria: ACMG Guidelines, 2015. Collection method: clinical testing. Allele origin: germline.

Eurofins Ntd Llc (ga)
Classification: Uncertain significance. Last evaluated: 2018-02-06. Review status: criteria provided, single submitter. Criteria: EGL Classification Definitions 2015. Collection method: clinical testing. Allele origin: germline. Observed: 3 variant alleles, 3 heterozygotes.

PreventionGenetics, part of Exact Sciences
Classification: Uncertain significance for TRMU-related condition. Last evaluated: 2024-08-30. Review status: no assertion criteria provided. Collection method: clinical testing. Allele origin: germline. Not counted in ClinVar's aggregate classification.
Comment: The TRMU c.918G>C variant is predicted to result in the amino acid substitution p.Arg306Ser. To our knowledge, this variant has not been reported in the literature. This variant is reported in 0.015% of alleles in individuals of East Asian descent in gnomAD. At this time, the clinical significance of this variant is uncertain due to the absence of conclusive functional and genetic evidence.